The following is an entry in ClinVar:

NM_001145358.2(SIN3A):c.2848C>T (p.Pro950Ser)

Gene: SIN3A (SIN3 transcription regulator family member A; minus strand). Cytogenetic location: 15q24.2.
Variant type: single nucleotide variant.
Coding change: c.2848C>T on transcript NM_001145358.2 (MANE Select); coding-DNA position 2848, C replaced by T.
Protein change: p.Pro950Ser; replaces proline 950 with serine.
Molecular consequence: missense variant.
Genome position (GRCh38, 1-based): chr15:75,392,245, G>A on the plus strand (C>T on the coding strand, the complement: SIN3A is on the minus strand). VCF-style: chr15-75392245-G-A. GRCh37 (hg19) VCF-style: chr15-75684586-G-A.
Other names: c.2848C>T, p.Pro950Ser (NM_001145357.2, NM_001437462.1, NM_001437463.1 and 1 more transcripts); short protein forms P950S.
Identifiers: ClinVar variation 4775328 (VCV004775328.1).

ClinVar aggregate classification (germline): Uncertain significance (1 of 4 stars; one submission).

Submission:

Labcorp Genetics (formerly Invitae), Labcorp
Classification: Uncertain significance. Last evaluated: 2025-03-30. Review status: criteria provided, single submitter. Criteria: Invitae Variant Classification Sherloc (09022015). Collection method: clinical testing. Allele origin: germline.
Comment: This sequence change replaces proline, which is neutral and non-polar, with serine, which is neutral and polar, at codon 950 of the SIN3A protein (p.Pro950Ser). This variant is not present in population databases (gnomAD no frequency). This variant has not been reported in the literature in individuals affected with SIN3A-related conditions. Invitae Evidence Modeling of protein sequence and biophysical properties (such as structural, functional, and spatial information, amino acid conservation, physicochemical variation, residue mobility, and thermodynamic stability) indicates that this missense variant is not expected to disrupt SIN3A protein function with a negative predictive value of 80%. In summary, the available evidence is currently insufficient to determine the role of this variant in disease. Therefore, it has been classified as a Variant of Uncertain Significance.